The following is an entry in ClinVar:

NM_003737.4(DCHS1):c.7582G>A (p.Gly2528Ser)

Gene: DCHS1 (dachsous cadherin-related 1; minus strand). Cytogenetic location: 11p15.4.
Variant type: single nucleotide variant.
Coding change: c.7582G>A on transcript NM_003737.4 (MANE Select); coding-DNA position 7582, G replaced by A.
Protein change: p.Gly2528Ser; replaces glycine 2528 with serine.
Molecular consequence: missense variant.
Genome position (GRCh38, 1-based): chr11:6,624,094, C>T on the plus strand (G>A on the coding strand, the complement: DCHS1 is on the minus strand). VCF-style: chr11-6624094-C-T. GRCh37 (hg19) VCF-style: chr11-6645325-C-T.
Other names: short protein forms G2528S.
Identifiers: ClinVar variation 3779218 (VCV003779218.2).
Genomic context (GRCh38, chr11:6,624,094, plus strand): 5'-GGCCTGGTCCAGCACTCTCCCCAGCCTCAGCCAGCCTGGGTTCCAGCTGGAAGACTCGGC[C>T]CCAGTTGCCACTGATGATGCTGTAGTCCACAGCGGCATGGCTGCGGCTTCCATCAGCATC-3'
Protein context (NP_003728.1, residues 2518-2538): VDYSIISGNW[Gly2528Ser]RVFQLEPRLA

ClinVar aggregate classification (germline): Uncertain significance. Review status: criteria provided, multiple submitters, no conflicts (2 of 4 stars). 2 submissions from 2 submitters: Uncertain significance (2). Last evaluated 2025-09-10.

Conditions:
Congenital heart disease (CHD). Identifiers: MedGen C0152021, MONDO:0005453. Disease mechanism: unknown.

gnomAD v4.1: 1 of 1,612,240 alleles (0.000062%); highest among the groups gnomAD compares: Non-Finnish European, 0.000085%; no homozygotes.

Submissions (2):

Labcorp Genetics (formerly Invitae), Labcorp
Classification: Uncertain significance. Last evaluated: 2025-09-10. Review status: criteria provided, single submitter. Criteria: Invitae Variant Classification Sherloc (09022015). Collection method: clinical testing. Allele origin: germline.
Comment: This sequence change replaces glycine, which is neutral and non-polar, with serine, which is neutral and polar, at codon 2528 of the DCHS1 protein (p.Gly2528Ser). This variant is not present in population databases (gnomAD no frequency). This variant has not been reported in the literature in individuals affected with DCHS1-related conditions. ClinVar contains an entry for this variant (Variation ID: 3779218). Invitae Evidence Modeling of protein sequence and biophysical properties (such as structural, functional, and spatial information, amino acid conservation, physicochemical variation, residue mobility, and thermodynamic stability) indicates that this missense variant is not expected to disrupt DCHS1 protein function with a negative predictive value of 80%. In summary, the available evidence is currently insufficient to determine the role of this variant in disease. Therefore, it has been classified as a Variant of Uncertain Significance.

Department of Pathology and Laboratory Medicine, Sinai Health System
Classification: Uncertain significance for congenital heart disease. Last evaluated: 2023-05-30. Review status: criteria provided, single submitter. Criteria: ACMG Guidelines, 2015. Collection method: research. Allele origin: germline.